The following is an entry in ClinVar:

ClinVar aggregate classification (germline): Uncertain significance (1 of 4 stars; one submission).

Conditions:
Developmental and epileptic encephalopathy 94 (DEE94). Also called: CHD2-Related Neurodevelopmental Disorders; Epileptic encephalopathy, childhood-onset. Identifiers: Orphanet 1942, Orphanet 2382, MedGen C3809278, MONDO:0014150, OMIM 615369.

Allele frequency attached by ClinVar (database versions not stated): gnomAD exomes below 0.00001.
gnomAD v4.1: 5 of 1,611,216 alleles (0.00031%); highest among the groups gnomAD compares: South Asian, 0.0011%; no homozygotes.

Submission:

Labcorp Genetics (formerly Invitae), Labcorp
Classification: Uncertain significance for Developmental and epileptic encephalopathy 94. Last evaluated: 2022-09-28. Review status: criteria provided, single submitter. Criteria: Invitae Variant Classification Sherloc (09022015). Collection method: clinical testing. Allele origin: germline.
Comment: This sequence change replaces alanine, which is neutral and non-polar, with glycine, which is neutral and non-polar, at codon 1134 of the CHD2 protein (p.Ala1134Gly). This variant is not present in population databases (gnomAD no frequency). This variant has not been reported in the literature in individuals affected with CHD2-related conditions. Advanced modeling of protein sequence and biophysical properties (such as structural, functional, and spatial information, amino acid conservation, physicochemical variation, residue mobility, and thermodynamic stability) performed at Invitae indicates that this missense variant is not expected to disrupt CHD2 protein function. In summary, the available evidence is currently insufficient to determine the role of this variant in disease. Therefore, it has been classified as a Variant of Uncertain Significance.

NM_001271.4(CHD2):c.3401C>G (p.Ala1134Gly)

Gene: CHD2 (chromodomain helicase DNA binding protein 2; plus strand). Cytogenetic location: 15q26.1.
Variant type: single nucleotide variant.
Coding change: c.3401C>G on transcript NM_001271.4 (MANE Select); coding-DNA position 3401, C replaced by G.
Protein change: p.Ala1134Gly; replaces alanine 1134 with glycine.
Molecular consequence: missense variant.
Genome position (GRCh38, 1-based): chr15:92,985,661, C>G. VCF-style: chr15-92985661-C-G. GRCh37 (hg19) VCF-style: chr15-93528891-C-G.
Other names: short protein forms A1134G.
Identifiers: ClinVar variation 1720627 (VCV001720627.6), dbSNP rs1054156557, ClinGen allele CA274860339.